The following is an entry in ClinVar:

ClinVar aggregate classification (germline): Likely pathogenic (1 of 4 stars; one submission).

Conditions:
Polyglandular autoimmune syndrome, type 1 (APS1). Also called: Autoimmune polyendocrinopathy syndrome, type I; HYPOADRENOCORTICISM WITH HYPOPARATHYROIDISM AND SUPERFICIAL MONILIASIS; Autoimmune polyendocrine syndrome type 1; PGA I; Whitaker syndrome; Autoimmune polyendocrinopathy syndrome , type I, with or without reversible metaphyseal dysplasia. Identifiers: Orphanet 3453, MedGen C0085859, MONDO:0009411, OMIM 240300.

Submission:

Women's Health and Genetics/Laboratory Corporation of America, LabCorp
Classification: Likely pathogenic for Polyglandular autoimmune syndrome, type 1. Last evaluated: 2022-05-03. Review status: criteria provided, single submitter. Criteria: LabCorp Variant Classification Summary - May 2015. Collection method: clinical testing. Allele origin: germline.
Comment: Variant summary: AIRE c.114_115insAG (p.Pro39SerfsX12) results in a premature termination codon, predicted to cause a truncation of the encoded protein or absence of the protein due to nonsense mediated decay, which are commonly known mechanisms for disease. Truncations downstream of this position have been classified as pathogenic by our laboratory. The variant was absent in 141696 control chromosomes (gnomAD). To our knowledge, no occurrence of c.114_115insAG in individuals affected with Autoimmune Polyglandular Syndrome Type 1 and no experimental evidence demonstrating its impact on protein function have been reported. No clinical diagnostic laboratories have submitted clinical-significance assessments for this variant to ClinVar after 2014. Based on the evidence outlined above, the variant was classified as likely pathogenic.

NM_000383.4(AIRE):c.114_115insAG (p.Pro39fs)

Gene: AIRE (autoimmune regulator; plus strand). Cytogenetic location: 21q22.3.
Variant type: Insertion.
Coding change: c.114_115insAG on transcript NM_000383.4 (MANE Select); coding-DNA positions 114 to 115, AG inserted.
Protein change: p.Pro39fs; shifts the reading frame from proline 39.
Molecular consequence: frameshift variant.
Genome position: GRCh38 VCF-style: chr21-44286120-C-CAG. GRCh37 (hg19) VCF-style: chr21-45706003-C-CAG.
Other names: short protein forms P39fs.
Identifiers: ClinVar variation 1696127 (VCV001696127.1), dbSNP rs2146375213, ClinGen allele CA2580098809.